The following is an entry in ClinVar:

ClinVar aggregate classification (germline): Uncertain significance (1 of 4 stars; one submission).

Conditions:
Cardiovascular phenotype. Identifiers: MedGen CN230736.

Allele frequency attached by ClinVar (database versions not stated): ExAC 0.00001; gnomAD exomes 0.00003.
gnomAD v4.1: 39 of 1,614,128 alleles (0.0024%); highest among the groups gnomAD compares: East Asian, 0.087%; no homozygotes.

Submission:

Ambry Genetics
Classification: Uncertain significance for Cardiovascular phenotype. Last evaluated: 2021-10-13. Review status: criteria provided, single submitter. Criteria: Ambry Variant Classification Scheme 2023. Collection method: clinical testing. Allele origin: germline.
Comment: The p.V21A variant (also known as c.62T>C), located in coding exon 2 of the SCN3B gene, results from a T to C substitution at nucleotide position 62. The valine at codon 21 is replaced by alanine, an amino acid with similar properties. This amino acid position is conserved. In addition, the in silico prediction for this alteration is inconclusive. Since supporting evidence is limited at this time, the clinical significance of this alteration remains unclear.

NM_001040151.2(SCN3B):c.62T>C (p.Val21Ala)

Gene: SCN3B (sodium voltage-gated channel beta subunit 3; minus strand). Cytogenetic location: 11q24.1.
Variant type: single nucleotide variant.
Coding change: c.62T>C on transcript NM_001040151.2 (MANE Select); coding-DNA position 62, T replaced by C.
Protein change: p.Val21Ala; replaces valine 21 with alanine.
Molecular consequence: missense variant.
Genome position (GRCh38, 1-based): chr11:123,645,744, A>G on the plus strand (T>C on the coding strand, the complement: SCN3B is on the minus strand). VCF-style: chr11-123645744-A-G. GRCh37 (hg19) VCF-style: chr11-123516452-A-G.
Other names: c.62T>C, p.Val21Ala (NM_018400.4); short protein forms V21A.
Identifiers: ClinVar variation 1752726 (VCV001752726.2), dbSNP rs749596563, ClinGen allele CA6334088.